The following is an entry in ClinVar:

NM_001626.6(AKT2):c.1399C>T (p.Arg467Trp)

Gene: AKT2 (AKT serine/threonine kinase 2; minus strand). Cytogenetic location: 19q13.2.
Variant type: single nucleotide variant.
Coding change: c.1399C>T on transcript NM_001626.6 (MANE Select); coding-DNA position 1399, C replaced by T.
Protein change: p.Arg467Trp; replaces arginine 467 with tryptophan.
Molecular consequence: missense variant.
Genome position (GRCh38, 1-based): chr19:40,233,919, G>A on the plus strand (C>T on the coding strand, the complement: AKT2 is on the minus strand). VCF-style: chr19-40233919-G-A. GRCh37 (hg19) VCF-style: chr19-40739826-G-A.
Other names: c.1213C>T, p.Arg405Trp (NM_001243027.3, NM_001243028.3); c.1270C>T, p.Arg424Trp (NM_001330511.1); short protein forms R405W, R424W, R467W.
Identifiers: ClinVar variation 1055745 (VCV001055745.15), dbSNP rs142926499, ClinGen allele CA9441420.

ClinVar aggregate classification (germline): Conflicting classifications of pathogenicity. Review status: criteria provided, conflicting classifications (1 of 4 stars). 3 submissions from 3 submitters: Uncertain significance (2); Likely benign (1). Last evaluated 2025-08-12.

Conditions:
Type 2 diabetes mellitus. Also called: Type II diabetes mellitus. Identifiers: MedGen C0011860, MeSH D003924, MONDO:0005148, OMIM 125853, HP:0005978.
Hypoinsulinemic hypoglycemia and body hemihypertrophy. Also called: Hypoinsulinemic hypoglycemia and hemihypertrophy. Identifiers: Orphanet 293964, MedGen C3278384, MONDO:0009416, OMIM 240900.

Allele frequency attached by ClinVar (database versions not stated): ExAC 0.00010; gnomAD exomes 0.00012; TOPMed 0.00013; gnomAD 0.00018 and 0.00019; ESP Exome Variant Server 0.00038.
gnomAD v4.1: 322 of 1,611,676 alleles (0.02%); highest among the groups gnomAD compares: Non-Finnish European, 0.025%; no homozygotes.

Submissions (3):

Women's Health and Genetics/Laboratory Corporation of America, LabCorp
Classification: Uncertain significance. Last evaluated: 2025-08-12. Review status: criteria provided, single submitter. Criteria: LabCorp Variant Classification Summary - May 2015. Collection method: clinical testing. Allele origin: germline.
Comment: Variant summary: AKT2 c.1399C>T (p.Arg467Trp) results in a non-conservative amino acid change located in the AGC-kinase C-terminal domain (IPR000961) of the encoded protein sequence. Algorithms developed to predict the effect of missense changes on protein structure and function all suggest that this variant is likely to be disruptive. The variant allele was found at a frequency of 0.00012 in 245984 control chromosomes, predominantly at a frequency of 0.00022 within the Non-Finnish European subpopulation in the gnomAD database. This frequency is not significantly higher than estimated for a pathogenic variant in AKT2 causing AKT2-Related Disorders, allowing no conclusion about variant significance. c.1399C>T has been reported in the literature in individuals affected with lipodystrophy without strong evidence of causality (e.g. Tan_2007, Dron_2020). These reports do not provide unequivocal conclusions about association of the variant with AKT2-Related Disorders. At least one publication reports experimental evidence evaluating an impact on protein function (Tan_2007). These results showed no damaging effect of this variant. The following publications have been ascertained in the context of this evaluation (PMID: 32041611, 17327441). ClinVar contains an entry for this variant (Variation ID: 1055745). Based on the evidence outlined above, the variant was classified as uncertain significance.

Labcorp Genetics (formerly Invitae), Labcorp
Classification: Uncertain significance for Hypoinsulinemic hypoglycemia and body hemihypertrophy; Type 2 diabetes mellitus. Last evaluated: 2024-12-31. Review status: criteria provided, single submitter. Criteria: Invitae Variant Classification Sherloc (09022015). Collection method: clinical testing. Allele origin: germline.
Comment: This sequence change replaces arginine, which is basic and polar, with tryptophan, which is neutral and slightly polar, at codon 467 of the AKT2 protein (p.Arg467Trp). This variant is present in population databases (rs142926499, gnomAD 0.02%). This missense change has been observed in individual(s) with severe insulin resistance (PMID: 28341696). ClinVar contains an entry for this variant (Variation ID: 1055745). An algorithm developed to predict the effect of missense changes on protein structure and function (PolyPhen-2) suggests that this variant is likely to be disruptive. Experimental studies have shown that this missense change does not substantially affect AKT2 function (PMID: 17327441). In summary, the available evidence is currently insufficient to determine the role of this variant in disease. Therefore, it has been classified as a Variant of Uncertain Significance.

Genetic Services Laboratory, University of Chicago
Classification: Likely benign. Last evaluated: 2021-05-24. Review status: criteria provided, single submitter. Criteria: ACMG Guidelines, 2015. Collection method: clinical testing. Allele origin: germline. Affected: no.

Literature cited by the submitters: PubMed 32041611 (cited by Women's Health and Genetics/Laboratory Corporation of America, LabCorp); PubMed 17327441 (cited by Women's Health and Genetics/Laboratory Corporation of America, LabCorp and Labcorp Genetics (formerly Invitae), Labcorp); PubMed 28341696 (cited by Labcorp Genetics (formerly Invitae), Labcorp).